The following is an entry in ClinVar:

ClinVar aggregate classification (germline): Conflicting classifications of pathogenicity. Review status: criteria provided, conflicting classifications (1 of 4 stars). 2 submissions from 2 submitters: Uncertain significance (1); Likely benign (1). Last evaluated 2024-11-13.

Allele frequency attached by ClinVar (database versions not stated): gnomAD 0.00001 and 0.00007; TOPMed 0.00001; gnomAD exomes 0.00029; ExAC 0.00035; 1000 Genomes Project 0.00040; 1000 Genomes Project 30x 0.00047.
gnomAD v4.1: 245 of 1,614,150 alleles (0.015%); highest among the groups gnomAD compares: South Asian, 0.24%; 2 homozygotes.

Submissions (2):

Blueprint Genetics
Classification: Likely benign. Last evaluated: 2024-11-13. Review status: criteria provided, single submitter. Criteria: ACMG Guidelines, 2015. Collection method: clinical testing. Allele origin: germline.

Labcorp Genetics (formerly Invitae), Labcorp
Classification: Uncertain significance. Last evaluated: 2021-09-01. Review status: criteria provided, single submitter. Criteria: Invitae Variant Classification Sherloc (09022015). Collection method: clinical testing. Allele origin: germline.
Comment: This sequence change replaces arginine with cysteine at codon 173 of the OCA2 protein (p.Arg173Cys). The arginine residue is weakly conserved and there is a large physicochemical difference between arginine and cysteine. This variant is present in population databases (rs538576672, ExAC 0.2%). This variant has not been reported in the literature in individuals affected with OCA2-related conditions. Algorithms developed to predict the effect of missense changes on protein structure and function output the following: SIFT: "Tolerated"; PolyPhen-2: "Benign"; Align-GVGD: "Class C0". The cysteine amino acid residue is found in multiple mammalian species, which suggests that this missense change does not adversely affect protein function. Algorithms developed to predict the effect of sequence changes on RNA splicing suggest that this variant may create or strengthen a splice site. In summary, the available evidence is currently insufficient to determine the role of this variant in disease. Therefore, it has been classified as a Variant of Uncertain Significance.

NM_000275.3(OCA2):c.517C>T (p.Arg173Cys)

Gene: OCA2 (OCA2 melanosomal transmembrane protein; minus strand). Cytogenetic location: 15q13.1.
Variant type: single nucleotide variant.
Coding change: c.517C>T on transcript NM_000275.3 (MANE Select); coding-DNA position 517, C replaced by T.
Protein change: p.Arg173Cys; replaces arginine 173 with cysteine.
Molecular consequence: missense variant.
Genome position (GRCh38, 1-based): chr15:28,024,901, G>A on the plus strand (C>T on the coding strand, the complement: OCA2 is on the minus strand). VCF-style: chr15-28024901-G-A. GRCh37 (hg19) VCF-style: chr15-28270047-G-A.
Other names: c.517C>T, p.Arg173Cys (NM_001300984.2); short protein forms R173C.
Identifiers: ClinVar variation 1399637 (VCV001399637.6), dbSNP rs538576672, ClinGen allele CA7439453.